The following is an entry in ClinVar:

NM_001039396.2(MPEG1):c.1213C>A (p.Pro405Thr)

Gene: MPEG1 (macrophage expressed 1; minus strand). Cytogenetic location: 11q12.1.
Variant type: single nucleotide variant.
Coding change: c.1213C>A on transcript NM_001039396.2 (MANE Select); coding-DNA position 1213, C replaced by A.
Protein change: p.Pro405Thr; replaces proline 405 with threonine.
Molecular consequence: missense variant.
Genome position (GRCh38, 1-based): chr11:59,211,653, G>T on the plus strand (C>A on the coding strand, the complement: MPEG1 is on the minus strand). VCF-style: chr11-59211653-G-T. GRCh37 (hg19) VCF-style: chr11-58979126-G-T.
Other names: c.1213C>A (NM_001039396.1); short protein forms P405T.
Identifiers: ClinVar variation 1035590 (VCV001035590.22), dbSNP rs200420254, ClinGen allele CA6017577.

ClinVar aggregate classification (germline): Conflicting classifications of pathogenicity. Review status: criteria provided, conflicting classifications (1 of 4 stars). 4 submissions from 4 submitters: Uncertain significance (1); Likely benign (2). 1 of the submissions does not count toward it. Last evaluated 2025-12-01.

Conditions:
MPEG1-related disorder. Also called: MPEG1-related condition.
Immunodeficiency 77. Identifiers: MedGen C5543173, MONDO:0030973, OMIM 619223.

Allele frequency attached by ClinVar (database versions not stated): 1000 Genomes Project 30x 0.00016; 1000 Genomes Project 0.00020; ExAC 0.00166; gnomAD exomes 0.00180 and 0.00405; TOPMed 0.00206; gnomAD 0.00220 and 0.00230; ESP Exome Variant Server 0.00288.
gnomAD v4.1: 6,114 of 1,614,158 alleles (0.38%); highest among the groups gnomAD compares: Non-Finnish European, 0.5%; 28 homozygotes.

Submissions (4):

CeGaT Center for Human Genetics Tuebingen
Classification: Likely benign. Last evaluated: 2025-12-01. Review status: criteria provided, single submitter. Criteria: CeGaT Center For Human Genetics Tuebingen Variant Classification Criteria Version 2. Collection method: clinical testing. Allele origin: germline. Affected: yes. Observed: 2 variant alleles.
Comment: MPEG1: PS3:Supporting, BP4, BS1

PreventionGenetics, part of Exact Sciences
Classification: Likely benign for MPEG1-related condition. Last evaluated: 2025-01-16. Review status: criteria provided, single submitter. Criteria: ACMG Guidelines, 2015. Collection method: clinical testing. Allele origin: germline.
Comment: This variant is classified as likely benign based on ACMG/AMP sequence variant interpretation guidelines (Richards et al. 2015 PMID: 25741868, with internal and published modifications).

Department of Pathology and Laboratory Medicine, Sinai Health System
Classification: Uncertain significance for Immunodeficiency 77. Last evaluated: 2023-08-15. Review status: criteria provided, single submitter. Criteria: ACMG Guidelines, 2015. Collection method: research. Allele origin: germline.

OMIM
Classification: Pathogenic for IMMUNODEFICIENCY 77. Last evaluated: 2021-03-18. Review status: no assertion criteria provided. Collection method: literature only. Allele origin: germline. Not counted in ClinVar's aggregate classification.

Literature cited by the submitters: PubMed 28422754 (cited by OMIM).